The following is an entry in ClinVar:

ClinVar aggregate classification (germline): Uncertain significance (1 of 4 stars; one submission).

Conditions:
Neuropathy, hereditary sensory and autonomic, type 2A (HSAN2A). Also called: ACROOSTEOLYSIS, GIACCAI TYPE; ACROOSTEOLYSIS, NEUROGENIC; MORVAN DISEASE; NEUROPATHY, CONGENITAL SENSORY; NEUROPATHY, HEREDITARY SENSORY RADICULAR, AUTOSOMAL RECESSIVE; NEUROPATHY, HEREDITARY SENSORY, TYPE IIA. Identifiers: Orphanet 970, MedGen C2752089, MONDO:0024309, OMIM 201300.
Generalized epilepsy with febrile seizures plus, type 7 (GEFSP7). Also called: GEFS+, TYPE 7. Identifiers: Orphanet 36387, MedGen C2751778, MONDO:0013470, OMIM 613863.

Submission:

Labcorp Genetics (formerly Invitae), Labcorp
Classification: Uncertain significance for Neuropathy, hereditary sensory and autonomic, type 2A; Generalized epilepsy with febrile seizures plus, type 7. Last evaluated: 2025-10-02. Review status: criteria provided, single submitter. Criteria: Invitae Variant Classification Sherloc (09022015). Collection method: clinical testing. Allele origin: germline.
Comment: This sequence change replaces phenylalanine, which is neutral and non-polar, with serine, which is neutral and polar, at codon 1832 of the SCN9A protein (p.Phe1832Ser). This variant is not present in population databases (gnomAD no frequency). This variant has not been reported in the literature in individuals affected with SCN9A-related conditions. Invitae Evidence Modeling of protein sequence and biophysical properties (such as structural, functional, and spatial information, amino acid conservation, physicochemical variation, residue mobility, and thermodynamic stability) indicates that this missense variant is not expected to disrupt SCN9A protein function with a negative predictive value of 80%. In summary, the available evidence is currently insufficient to determine the role of this variant in disease. Therefore, it has been classified as a Variant of Uncertain Significance.

NM_001365536.1(SCN9A):c.5528T>C (p.Phe1843Ser)

Genes: SCN1A-AS1 (SCN1A and SCN9A antisense RNA 1; plus strand), SCN9A (sodium voltage-gated channel alpha subunit 9; minus strand). Cytogenetic location: 2q24.3.
Variant type: single nucleotide variant.
Coding change: c.5528T>C on transcript NM_001365536.1 (MANE Select); coding-DNA position 5528, T replaced by C.
Protein change: p.Phe1843Ser; replaces phenylalanine 1843 with serine.
Molecular consequence: missense variant.
Genome position (GRCh38, 1-based): chr2:166,199,111, A>G on the plus strand (T>C on the coding strand, the complement: SCN9A is on the minus strand). VCF-style: chr2-166199111-A-G. GRCh37 (hg19) VCF-style: chr2-167055621-A-G.
Other names: c.5495T>C, p.Phe1832Ser (NM_002977.4); short protein forms F1843S, F1832S.
Identifiers: ClinVar variation 4787589 (VCV004787589.1).